The following is an entry in ClinVar:

ClinVar aggregate classification (germline): Pathogenic (1 of 4 stars; one submission).

Allele frequency attached by ClinVar (database versions not stated): gnomAD exomes below 0.00001; TOPMed below 0.00001; gnomAD 0.00001.
gnomAD v4.1: 3 of 1,614,064 alleles (0.00019%); highest among the groups gnomAD compares: Non-Finnish European, 0.00025%; no homozygotes.

Submission:

Labcorp Genetics (formerly Invitae), Labcorp
Classification: Pathogenic. Last evaluated: 2022-08-09. Review status: criteria provided, single submitter. Criteria: Invitae Variant Classification Sherloc (09022015). Collection method: clinical testing. Allele origin: germline.
Comment: For these reasons, this variant has been classified as Pathogenic. Algorithms developed to predict the effect of sequence changes on RNA splicing suggest that this variant may create or strengthen a splice site. ClinVar contains an entry for this variant (Variation ID: 631943). This variant has not been reported in the literature in individuals affected with CYP4V2-related conditions. This variant is not present in population databases (gnomAD no frequency). This sequence change creates a premature translational stop signal (p.Leu127*) in the CYP4V2 gene. It is expected to result in an absent or disrupted protein product. Loss-of-function variants in CYP4V2 are known to be pathogenic (PMID: 15042513, 25118264).

Literature cited by the submitters: PubMed 15042513; PubMed 25118264.

NM_207352.4(CYP4V2):c.380T>A (p.Leu127Ter)

Gene: CYP4V2 (cytochrome P450 family 4 subfamily V member 2; plus strand). Cytogenetic location: 4q35.1.
Variant type: single nucleotide variant.
Coding change: c.380T>A on transcript NM_207352.4 (MANE Select); coding-DNA position 380, T replaced by A.
Protein change: p.Leu127Ter; replaces leucine 127 with a stop codon.
Molecular consequence: nonsense.
Genome position (GRCh38, 1-based): chr4:186,196,055, T>A. VCF-style: chr4-186196055-T-A. GRCh37 (hg19) VCF-style: chr4-187117209-T-A.
Other names: short protein forms L127*.
Identifiers: ClinVar variation 631943 (VCV000631943.10), dbSNP rs1228072399, ClinGen allele CA358947157.